The following is an entry in ClinVar:

ClinVar aggregate classification (germline): Uncertain significance (1 of 4 stars; one submission).

Conditions:
Inborn genetic diseases. Identifiers: MedGen C0950123, MeSH D030342.

Submission:

Ambry Genetics
Classification: Uncertain significance for Inborn genetic diseases. Last evaluated: 2023-03-18. Review status: criteria provided, single submitter. Criteria: Ambry Variant Classification Scheme 2023. Collection method: clinical testing. Allele origin: germline.
Comment: The p.I337L variant (also known as c.1009A>C), located in coding exon 8 of the EPAS1 gene, results from an A to C substitution at nucleotide position 1009. The isoleucine at codon 337 is replaced by leucine, an amino acid with highly similar properties. This amino acid position is conserved. In addition, this alteration is predicted to be tolerated by in silico analysis. Since supporting evidence is limited at this time, the clinical significance of this alteration remains unclear.

NM_001430.5(EPAS1):c.1009A>C (p.Ile337Leu)

Gene: EPAS1 (endothelial PAS domain protein 1; plus strand). Cytogenetic location: 2p21.
Variant type: single nucleotide variant.
Coding change: c.1009A>C on transcript NM_001430.5 (MANE Select); coding-DNA position 1009, A replaced by C.
Protein change: p.Ile337Leu; replaces isoleucine 337 with leucine.
Molecular consequence: missense variant.
Genome position (GRCh38, 1-based): chr2:46,375,812, A>C. VCF-style: chr2-46375812-A-C. GRCh37 (hg19) VCF-style: chr2-46602951-A-C.
Other names: short protein forms I337L.
Identifiers: ClinVar variation 2565030 (VCV002565030.2), dbSNP rs749416116, ClinGen allele CA346702958.